The following is an entry in ClinVar:

NM_000245.4(MET):c.2220A>C (p.Glu740Asp)

Gene: MET (MET proto-oncogene, receptor tyrosine kinase; plus strand). Cytogenetic location: 7q31.2.
Variant type: single nucleotide variant.
Coding change: c.2220A>C on transcript NM_000245.4 (MANE Select); coding-DNA position 2220, A replaced by C.
Protein change: p.Glu740Asp; replaces glutamic acid 740 with aspartic acid.
Molecular consequence: missense variant.
Genome position (GRCh38, 1-based): chr7:116,758,576, A>C. VCF-style: chr7-116758576-A-C. GRCh37 (hg19) VCF-style: chr7-116398630-A-C.
Other names: c.2220A>C, p.Glu740Asp (NM_001127500.3, NM_001324401.3); c.930A>C, p.Glu310Asp (NM_001324402.2); short protein forms E740D, E310D.
Identifiers: ClinVar variation 1518101 (VCV001518101.8), dbSNP rs1554395720, ClinGen allele CA368980769.

ClinVar aggregate classification (germline): Uncertain significance (1 of 4 stars; one submission).

Conditions:
Renal cell carcinoma. Identifiers: Orphanet 217071, MedGen C0007134, MeSH D002292, MONDO:0005086, HP:0005584.

gnomAD v4.1: 1 of 1,613,890 alleles (0.000062%); highest among the groups gnomAD compares: Non-Finnish European, 0.000085%; no homozygotes.

Submission:

Labcorp Genetics (formerly Invitae), Labcorp
Classification: Uncertain significance for Renal cell carcinoma. Last evaluated: 2021-03-21. Review status: criteria provided, single submitter. Criteria: Invitae Variant Classification Sherloc (09022015). Collection method: clinical testing. Allele origin: germline.
Comment: In summary, the available evidence is currently insufficient to determine the role of this variant in disease. Therefore, it has been classified as a Variant of Uncertain Significance. Algorithms developed to predict the effect of missense changes on protein structure and function output the following: SIFT: "Deleterious"; PolyPhen-2: "Benign"; Align-GVGD: "Class C0". The aspartic acid amino acid residue is found in multiple mammalian species, suggesting that this missense change does not adversely affect protein function. These predictions have not been confirmed by published functional studies and their clinical significance is uncertain. This variant has not been reported in the literature in individuals with MET-related conditions. This variant is not present in population databases (ExAC no frequency). This sequence change replaces glutamic acid with aspartic acid at codon 740 of the MET protein (p.Glu740Asp). The glutamic acid residue is moderately conserved and there is a small physicochemical difference between glutamic acid and aspartic acid.